The following is an entry in ClinVar:

ClinVar aggregate classification (germline): Uncertain significance (1 of 4 stars; one submission).

Conditions:
Baller-Gerold syndrome (BGS). Also called: CRANIOSYNOSTOSIS WITH RADIAL DEFECTS. Identifiers: Orphanet 1225, MedGen C0265308, MONDO:0009039, OMIM 218600.

Allele frequency attached by ClinVar (database versions not stated): gnomAD 0.00001; 1000 Genomes Project 30x 0.00016.
gnomAD v4.1: 10 of 1,612,444 alleles (0.00062%); highest among the groups gnomAD compares: Non-Finnish European, 0.00085%; no homozygotes.

Submission:

Labcorp Genetics (formerly Invitae), Labcorp
Classification: Uncertain significance for Baller-Gerold syndrome. Last evaluated: 2023-11-28. Review status: criteria provided, single submitter. Criteria: Invitae Variant Classification Sherloc (09022015). Collection method: clinical testing. Allele origin: germline.
Comment: This sequence change replaces valine, which is neutral and non-polar, with isoleucine, which is neutral and non-polar, at codon 990 of the RECQL4 protein (p.Val990Ile). This variant is present in population databases (rs151223648, gnomAD 0.002%). This variant has not been reported in the literature in individuals affected with RECQL4-related conditions. ClinVar contains an entry for this variant (Variation ID: 1384903). Advanced modeling of protein sequence and biophysical properties (such as structural, functional, and spatial information, amino acid conservation, physicochemical variation, residue mobility, and thermodynamic stability) performed at Invitae indicates that this missense variant is not expected to disrupt RECQL4 protein function with a negative predictive value of 80%. In summary, the available evidence is currently insufficient to determine the role of this variant in disease. Therefore, it has been classified as a Variant of Uncertain Significance.

NM_004260.4(RECQL4):c.2968G>A (p.Val990Ile)

Gene: RECQL4 (RecQ like helicase 4; minus strand). Cytogenetic location: 8q24.3.
Variant type: single nucleotide variant.
Coding change: c.2968G>A on transcript NM_004260.4 (MANE Select); coding-DNA position 2968, G replaced by A.
Protein change: p.Val990Ile; replaces valine 990 with isoleucine.
Molecular consequence: missense variant.
Genome position (GRCh38, 1-based): chr8:144,512,479, C>T on the plus strand (G>A on the coding strand, the complement: RECQL4 is on the minus strand). VCF-style: chr8-144512479-C-T. GRCh37 (hg19) VCF-style: chr8-145737862-C-T.
Other names: short protein forms V990I.
Identifiers: ClinVar variation 1384903 (VCV001384903.4), dbSNP rs151223648, ClinGen allele CA4947987.